The following is an entry in ClinVar:

NM_017827.4(SARS2):c.175G>C (p.Asp59His)

Genes: SARS2 (seryl-tRNA synthetase 2, mitochondrial; minus strand), LOC130064387 (ATAC-STARR-seq lymphoblastoid active region 14604; plus strand). Cytogenetic location: 19q13.2.
Variant type: single nucleotide variant.
Coding change: c.175G>C on transcript NM_017827.4 (MANE Select); coding-DNA position 175, G replaced by C.
Protein change: p.Asp59His; replaces aspartic acid 59 with histidine.
Molecular consequence: missense variant.
Genome position (GRCh38, 1-based): chr19:38,930,562, C>G on the plus strand (G>C on the coding strand, the complement: SARS2 is on the minus strand). VCF-style: chr19-38930562-C-G. GRCh37 (hg19) VCF-style: chr19-39421202-C-G.
Other names: c.175G>C, p.Asp59His (NM_001145901.2); short protein forms D59H.
Identifiers: ClinVar variation 329225 (VCV000329225.6), dbSNP rs886054430, ClinGen allele CA10652431.

ClinVar aggregate classification (germline): Uncertain significance. Review status: criteria provided, multiple submitters, no conflicts (2 of 4 stars). 2 submissions from 2 submitters: Uncertain significance (2). Last evaluated 2024-12-04.

Conditions:
Hyperuricemia, pulmonary hypertension, renal failure, alkalosis syndrome (HUPRAS). Also called: HUPRA SYNDROME; HYPERURICEMIA, PULMONARY HYPERTENSION, RENAL FAILURE, AND ALKALOSIS SYNDROME. Identifiers: Orphanet 363694, MedGen C3151209, MONDO:0013458, OMIM 613845.

Allele frequency attached by ClinVar (database versions not stated): gnomAD 0.00001; TOPMed 0.00001.
gnomAD v4.1: 12 of 1,613,786 alleles (0.00074%); highest among the groups gnomAD compares: African/African-American, 0.0013%; no homozygotes.

Submissions (2):

GeneDx
Classification: Uncertain significance. Last evaluated: 2024-12-04. Review status: criteria provided, single submitter. Criteria: GeneDx Variant Classification Process June 2021. Collection method: clinical testing. Allele origin: germline. Affected: yes.
Comment: Not observed at significant frequency in large population cohorts (gnomAD); In silico analysis supports that this missense variant has a deleterious effect on protein structure/function; Has not been previously published as pathogenic or benign to our knowledge

Illumina Laboratory Services, Illumina
Classification: Uncertain significance for Hyperuricemia, pulmonary hypertension, renal failure, alkalosis syndrome. Last evaluated: 2018-01-13. Review status: criteria provided, single submitter. Criteria: ICSL Variant Classification Criteria 13 December 2019. Collection method: clinical testing. Allele origin: germline.